The following is an entry in ClinVar:

ClinVar aggregate classification (germline): Likely pathogenic (1 of 4 stars; one submission).

Submission:

GeneDx
Classification: Likely pathogenic. Last evaluated: 2022-08-22. Review status: criteria provided, single submitter. Criteria: GeneDx Variant Classification Process June 2021. Collection method: clinical testing. Allele origin: germline. Affected: yes.
Comment: Canonical splice site variant predicted to result in a null allele in a gene for which loss of function is a known mechanism of disease; Not observed at significant frequency in large population cohorts (gnomAD); Has not been previously published as pathogenic or benign to our knowledge

NM_016938.5(EFEMP2):c.848-1_849del

Gene: EFEMP2 (EGF containing fibulin extracellular matrix protein 2; minus strand). Cytogenetic location: 11q13.1.
Variant type: Deletion.
Coding change: c.848-1_849del on transcript NM_016938.5 (MANE Select); the canonical splice acceptor site of the intron before coding-DNA position 848 through coding-DNA position 849, 3 bases deleted (GAC; older notation c.848-1_849delGAC).
Molecular consequence: splice acceptor variant.
Genome position (GRCh38, 1-based): chr11:65,868,420-65,868,422, GTC deleted on the plus strand (GAC on the coding strand, the reverse complement: EFEMP2 is on the minus strand). VCF-style (leftmost placement, unchanged base first): chr11-65868419-TGTC-T. GRCh37 (hg19) VCF-style: chr11-65635890-TGTC-T.
Identifiers: ClinVar variation 2430490 (VCV002430490.1), dbSNP rs2495574266, ClinGen allele CA2580084504.
Genomic context (GRCh38, chr11:65,868,419, plus strand): 5'-GGAAGTTGACACAGGTTTGGGCCTCGGAGCACTGGTGCGCACCAGACTCACACTCATCAA[TGTC>T]TGTGCCAGGGGAGAGGGGCTGGAATCGGGGGCGTCAGGCTGCCAGCTCCTGACACCGTCC-3'